The following is an entry in ClinVar:

NM_005422.4(TECTA):c.2464G>A (p.Val822Met)

Genes: TBCEL-TECTA (TBCEL-TECTA readthrough; plus strand), TECTA (tectorin alpha; plus strand), LOC126861365 (P300/CBP strongly-dependent group 1 enhancer GRCh37_chr11:121000154-121001353; plus strand). Cytogenetic location: 11q23.3.
Variant type: single nucleotide variant.
Coding change: c.2464G>A on transcript NM_005422.4 (MANE Select); coding-DNA position 2464, G replaced by A.
Protein change: p.Val822Met; replaces valine 822 with methionine.
Molecular consequence: missense variant.
Genome position (GRCh38, 1-based): chr11:121,129,734, G>A. VCF-style: chr11-121129734-G-A. GRCh37 (hg19) VCF-style: chr11-121000443-G-A.
Other names: c.3421G>A, p.Val1141Met (NM_001378761.1); short protein forms V822M, V1141M.
Identifiers: ClinVar variation 1912079 (VCV001912079.6), dbSNP rs762905314, ClinGen allele CA6326999.

ClinVar aggregate classification (germline): Uncertain significance. Review status: criteria provided, multiple submitters, no conflicts (2 of 4 stars). 2 submissions from 2 submitters: Uncertain significance (2). Last evaluated 2022-09-27.

Conditions:
Inborn genetic diseases. Identifiers: MedGen C0950123, MeSH D030342.

Allele frequency attached by ClinVar (database versions not stated): ExAC 0.00001; gnomAD 0.00001; gnomAD exomes 0.00001; TOPMed 0.00001.
gnomAD v4.1: 16 of 1,614,076 alleles (0.00099%); highest among the groups gnomAD compares: East Asian, 0.0022%; no homozygotes.

Submissions (2):

Labcorp Genetics (formerly Invitae), Labcorp
Classification: Uncertain significance. Last evaluated: 2022-09-27. Review status: criteria provided, single submitter. Criteria: Invitae Variant Classification Sherloc (09022015). Collection method: clinical testing. Allele origin: germline.
Comment: This sequence change replaces valine, which is neutral and non-polar, with methionine, which is neutral and non-polar, at codon 822 of the TECTA protein (p.Val822Met). In summary, the available evidence is currently insufficient to determine the role of this variant in disease. Therefore, it has been classified as a Variant of Uncertain Significance. This variant is present in population databases (rs762905314, gnomAD 0.006%). This variant has not been reported in the literature in individuals affected with TECTA-related conditions. Advanced modeling of protein sequence and biophysical properties (such as structural, functional, and spatial information, amino acid conservation, physicochemical variation, residue mobility, and thermodynamic stability) performed at Invitae indicates that this missense variant is not expected to disrupt TECTA protein function.

Ambry Genetics
Classification: Uncertain significance for Inborn genetic diseases. Last evaluated: 2021-07-06. Review status: criteria provided, single submitter. Criteria: Ambry Variant Classification Scheme 2023. Collection method: clinical testing. Allele origin: germline.